The following is an entry in ClinVar:

ClinVar aggregate classification (germline): Uncertain significance (1 of 4 stars; one submission).

Conditions:
Cardiovascular phenotype. Identifiers: MedGen CN230736.

Submission:

Ambry Genetics
Classification: Uncertain significance for Cardiovascular phenotype. Last evaluated: 2025-08-07. Review status: criteria provided, single submitter. Criteria: Ambry Variant Classification Scheme 2023. Collection method: clinical testing. Allele origin: germline.
Comment: The c.50774_50779dupAACCAG variant (also known as p.E16925_P16926dup), located in coding exon 153 of the TTN gene, results from an in-frame duplication of AACCAG at nucleotide positions 50774 to 50779. This results in the duplication of 2 extra residues (EP) between codons 16925 and 16926. This amino acid region is well conserved in available vertebrate species. In addition, this variant is predicted to be deleterious by in silico analysis (Choi Y et al. PLoS ONE. 2012; 7(10):e46688). Based on the available evidence, the clinical significance of this variant remains unclear.

NM_001267550.2(TTN):c.77969_77974dup (p.Pro25991_Gly25992insGluPro)

Genes: TTN (titin; minus strand), TTN-AS1 (TTN antisense RNA 1; plus strand). Cytogenetic location: 2q31.2.
Variant type: Duplication.
Coding change: c.77969_77974dup on transcript NM_001267550.2 (MANE Select); coding-DNA positions 77969 to 77974, 6 bases duplicated (AACCAG; older notation c.77969_77974dupAACCAG).
Protein change: p.Pro25991_Gly25992insGluPro.
Genome position (GRCh38, 1-based): chr2:178,568,158-178,568,163, CTGGTT duplicated on the plus strand (AACCAG on the coding strand, the reverse complement: TTN is on the minus strand); duplicating any 6 consecutive bases within chr2:178,568,158-178,568,165 gives the same sequence; the c. name uses the placement nearest the transcript's 3' end. VCF-style (leftmost placement, unchanged base first): chr2-178568157-C-CCTGGTT. GRCh37 (hg19) VCF-style: chr2-179432884-C-CCTGGTT.
Other names: c.73046_73051dup, p.Pro24350_Gly24351insGluPro (NM_001256850.1); c.50774_50779dup, p.Pro16926_Gly16927insGluPro (NM_003319.4); c.70265_70270dup, p.Pro23423_Gly23424insGluPro (NM_133378.4); c.51149_51154dup, p.Pro17051_Gly17052insGluPro (NM_133432.3); c.51350_51355dup, p.Pro17118_Gly17119insGluPro (NM_133437.4); c.50774_50779dupAACCAG (NM_003319.4).
Identifiers: ClinVar variation 4193747 (VCV004193747.1).